The following is an entry in ClinVar:

ClinVar aggregate classification (germline): Uncertain significance (1 of 4 stars; one submission).

Conditions:
NIK deficiency. Also called: Primary immunodeficiency with multifaceted aberrant lymphoid immunity. Identifiers: Orphanet 447731, MedGen C5680065, MONDO:0018642.

Allele frequency attached by ClinVar (database versions not stated): gnomAD exomes below 0.00001; ExAC 0.00004.

Submission:

Labcorp Genetics (formerly Invitae), Labcorp
Classification: Uncertain significance for NIK deficiency. Last evaluated: 2024-10-24. Review status: criteria provided, single submitter. Criteria: Invitae Variant Classification Sherloc (09022015). Collection method: clinical testing. Allele origin: germline.
Comment: This sequence change replaces valine, which is neutral and non-polar, with methionine, which is neutral and non-polar, at codon 333 of the MAP3K14 protein (p.Val333Met). This variant is present in population databases (rs750957342, gnomAD 0.007%). This variant has not been reported in the literature in individuals affected with MAP3K14-related conditions. An algorithm developed to predict the effect of missense changes on protein structure and function outputs the following: PolyPhen-2: "Not Available". The methionine amino acid residue is found in multiple mammalian species, which suggests that this missense change does not adversely affect protein function. In summary, the available evidence is currently insufficient to determine the role of this variant in disease. Therefore, it has been classified as a Variant of Uncertain Significance.

NM_003954.5(MAP3K14):c.997G>A (p.Val333Met)

Gene: MAP3K14 (mitogen-activated protein kinase kinase kinase 14; minus strand). Cytogenetic location: 17q21.31.
Variant type: single nucleotide variant.
Coding change: c.997G>A on transcript NM_003954.5 (MANE Select); coding-DNA position 997, G replaced by A.
Protein change: p.Val333Met; replaces valine 333 with methionine.
Molecular consequence: missense variant.
Genome position (GRCh38, 1-based): chr17:45,286,586, C>T on the plus strand (G>A on the coding strand, the complement: MAP3K14 is on the minus strand). VCF-style: chr17-45286586-C-T. GRCh37 (hg19) VCF-style: chr17-43363953-C-T.
Other names: short protein forms V333M.
Identifiers: ClinVar variation 2769132 (VCV002769132.3), dbSNP rs750957342, ClinGen allele CA8614234.